The following is an entry in ClinVar:

ClinVar aggregate classification (germline): Conflicting classifications of pathogenicity. Review status: criteria provided, conflicting classifications (1 of 4 stars). 9 submissions from 5 submitters: Uncertain significance (8); Likely benign (1). Last evaluated 2026-04-06.

Conditions:
Inborn genetic diseases. Identifiers: MedGen C0950123, MeSH D030342.
CEP290-related disorder. Also called: CEP290-related disorders; CEP290-related condition. Identifiers: MedGen CN239314.
Joubert syndrome. Also called: Familial aplasia of the vermis; JOUBERT-BOLTSHAUSER SYNDROME. Identifiers: Orphanet 475, MedGen C5979921, MONDO:0018772.
Meckel-Gruber syndrome. Also called: DYSENCEPHALIA SPLANCHNOCYSTICA; GRUBER SYNDROME; Dysencephalia splachnocystica. Identifiers: Orphanet 564, MedGen C0265215, MONDO:0018921.
Nephronophthisis. Also called: Juvenile Nephronophthisis. Identifiers: Orphanet 655, MedGen C0687120, MONDO:0019005, HP:0000090.
Bardet-Biedl syndrome 14 (BBS14). Identifiers: Orphanet 110, MedGen C2673874, MONDO:0014442, OMIM 615991.
Meckel syndrome, type 4 (MKS4). Also called: MECKEL-GRUBER SYNDROME, TYPE 4. Identifiers: Orphanet 564, MedGen C1970161, MONDO:0012626, OMIM 611134.
Leber congenital amaurosis 10 (LCA10). Identifiers: Orphanet 65, MedGen C1857821, MONDO:0012723, OMIM 611755.
Senior-Loken syndrome 6 (SLSN6). Identifiers: Orphanet 3156, MedGen C1857779, MONDO:0012433, OMIM 610189.
Joubert syndrome 5 (JBTS5). Identifiers: Orphanet 2318, MedGen C1857780, MONDO:0012432, OMIM 610188.

Allele frequency attached by ClinVar (database versions not stated): gnomAD exomes below 0.00001; TOPMed below 0.00001; gnomAD 0.00001; ExAC 0.00002.
gnomAD v4.1: 6 of 1,604,482 alleles (0.00037%); highest among the groups gnomAD compares: Middle Eastern, 0.017%; no homozygotes.

Submissions (9):

PreventionGenetics, part of Exact Sciences
Classification: Uncertain significance for CEP290-related condition. Last evaluated: 2026-04-06. Review status: criteria provided, single submitter. Criteria: ACMG Guidelines, 2015. Collection method: clinical testing. Allele origin: germline.
Comment: The CEP290 c.5764A>C variant is predicted to result in the amino acid substitution p.Ile1922Leu. To our knowledge, this variant has not been reported in the literature. This variant is reported in 0.0027% of alleles in individuals of European (Non-Finnish) descent in gnomAD. At this time, the clinical significance of this variant is uncertain due to the absence of conclusive functional and genetic evidence.

Ambry Genetics
Classification: Uncertain significance for Inborn genetic diseases. Last evaluated: 2025-06-12. Review status: criteria provided, single submitter. Criteria: Ambry Variant Classification Scheme 2023. Collection method: clinical testing. Allele origin: germline.

Labcorp Genetics (formerly Invitae), Labcorp
Classification: Uncertain significance for Joubert syndrome; Meckel-Gruber syndrome; Nephronophthisis. Last evaluated: 2022-09-06. Review status: criteria provided, single submitter. Criteria: Invitae Variant Classification Sherloc (09022015). Collection method: clinical testing. Allele origin: germline.
Comment: This sequence change replaces isoleucine, which is neutral and non-polar, with leucine, which is neutral and non-polar, at codon 1922 of the CEP290 protein (p.Ile1922Leu). This variant is present in population databases (rs746949236, gnomAD 0.003%). This variant has not been reported in the literature in individuals affected with CEP290-related conditions. ClinVar contains an entry for this variant (Variation ID: 310591). Algorithms developed to predict the effect of missense changes on protein structure and function (SIFT, PolyPhen-2, Align-GVGD) all suggest that this variant is likely to be tolerated. In summary, the available evidence is currently insufficient to determine the role of this variant in disease. Therefore, it has been classified as a Variant of Uncertain Significance.

Illumina Laboratory Services, Illumina
Classification: Uncertain significance for Leber congenital amaurosis 10. Last evaluated: 2018-01-13. Review status: criteria provided, single submitter. Criteria: ICSL Variant Classification Criteria 13 December 2019. Collection method: clinical testing. Allele origin: germline.

Illumina Laboratory Services, Illumina
Classification: Uncertain significance for Meckel syndrome, type 4. Last evaluated: 2018-01-13. Review status: criteria provided, single submitter. Criteria: ICSL Variant Classification Criteria 13 December 2019. Collection method: clinical testing. Allele origin: germline.

Illumina Laboratory Services, Illumina
Classification: Uncertain significance for Bardet-Biedl syndrome 14. Last evaluated: 2018-01-13. Review status: criteria provided, single submitter. Criteria: ICSL Variant Classification Criteria 13 December 2019. Collection method: clinical testing. Allele origin: germline.

Illumina Laboratory Services, Illumina
Classification: Uncertain significance for Senior-Loken syndrome 6. Last evaluated: 2018-01-13. Review status: criteria provided, single submitter. Criteria: ICSL Variant Classification Criteria 13 December 2019. Collection method: clinical testing. Allele origin: germline.

Illumina Laboratory Services, Illumina
Classification: Uncertain significance for Joubert syndrome 5. Last evaluated: 2018-01-13. Review status: criteria provided, single submitter. Criteria: ICSL Variant Classification Criteria 13 December 2019. Collection method: clinical testing. Allele origin: germline.

GeneDx
Classification: Likely benign. Last evaluated: 2017-10-30. Review status: criteria provided, single submitter. Criteria: GeneDx Variant Classification (06012015). Collection method: clinical testing. Allele origin: germline. Affected: yes.
Comment: This variant is considered likely benign or benign based on one or more of the following criteria: it is a conservative change, it occurs at a poorly conserved position in the protein, it is predicted to be benign by multiple in silico algorithms, and/or has population frequency not consistent with disease.

NM_025114.4(CEP290):c.5764A>C (p.Ile1922Leu)

Gene: CEP290 (centrosomal protein 290; minus strand). Cytogenetic location: 12q21.32.
Variant type: single nucleotide variant.
Coding change: c.5764A>C on transcript NM_025114.4 (MANE Select); coding-DNA position 5764, A replaced by C.
Protein change: p.Ile1922Leu; replaces isoleucine 1922 with leucine.
Molecular consequence: missense variant.
Genome position (GRCh38, 1-based): chr12:88,071,872, T>G on the plus strand (A>C on the coding strand, the complement: CEP290 is on the minus strand). VCF-style: chr12-88071872-T-G. GRCh37 (hg19) VCF-style: chr12-88465649-T-G.
Other names: short protein forms I1922L.
Identifiers: ClinVar variation 310591 (VCV000310591.9), dbSNP rs746949236, ClinGen allele CA6711648.